The following is an entry in ClinVar:

NM_017636.4(TRPM4):c.1606_1608+1dup

Gene: TRPM4 (transient receptor potential cation channel subfamily M member 4; plus strand). Cytogenetic location: 19q13.33.
Variant type: Duplication.
Coding change: c.1606_1608+1dup on transcript NM_017636.4 (MANE Select); coding-DNA position 1606 through the canonical splice donor site of the intron after coding-DNA position 1608, 4 bases duplicated (AGCG; older notation c.1606_1608+1dupAGCG).
Molecular consequence: splice donor variant. On other transcripts: intron variant (1).
Genome position (GRCh38, 1-based): chr19:49,182,920-49,182,923, AGCG duplicated; duplicating any 4 consecutive bases within chr19:49,182,919-49,182,923 gives the same sequence; the c. name uses the placement nearest the transcript's 3' end. VCF-style (leftmost placement, unchanged base first): chr19-49182918-A-AGAGC. GRCh37 (hg19) VCF-style: chr19-49686175-A-AGAGC.
Other names: c.1606_1608+1dup (NM_001195227.2); c.-1+53_-1+56dup (NM_001321282.2); c.1261_1263+1dup (NM_001321281.2); c.1084_1086+1dup (NM_001321283.2); c.544_546+1dup (NM_001321285.2); c.1606_1608+1dupAGCG (NM_017636.3).
Identifiers: ClinVar variation 3604572 (VCV003604572.3).

ClinVar aggregate classification (germline): Uncertain significance. Review status: criteria provided, multiple submitters, no conflicts (2 of 4 stars). 2 submissions from 2 submitters: Uncertain significance (2). Last evaluated 2026-01-23.

Conditions:
Progressive familial heart block type IB (PFHB1B). Identifiers: Orphanet 871, MedGen C1970298, MONDO:0011474, OMIM 604559.
Cardiovascular phenotype. Identifiers: MedGen CN230736.

Submissions (2):

Ambry Genetics
Classification: Uncertain significance for Cardiovascular phenotype. Last evaluated: 2026-01-23. Review status: criteria provided, single submitter. Criteria: Ambry Variant Classification Scheme 2023. Collection method: clinical testing. Allele origin: germline.
Comment: The c.1606_1608+1dupAGCG variant results from a duplication of four nucleotides between positions c.1606 and c.1608+1 and involves the canonical splice donor site after coding exon 11 of the TRPM4 gene. In silico splice site analysis predicts that this alteration will not have any significant effect on splicing; however, the exact impact of this duplication on splicing and function is currently unknown. The canonical splice donor site is highly conserved in available vertebrate species. Based on the available evidence, the clinical significance of this variant remains unclear.

Labcorp Genetics (formerly Invitae), Labcorp
Classification: Uncertain significance for Progressive familial heart block type IB. Last evaluated: 2025-10-23. Review status: criteria provided, single submitter. Criteria: Invitae Variant Classification Sherloc (09022015). Collection method: clinical testing. Allele origin: germline.
Comment: This sequence change affects a splice site in intron 11 of the TRPM4 gene. It is expected to disrupt RNA splicing. Variants that disrupt the donor or acceptor splice site typically lead to a loss of protein function (PMID: 16199547), however the current clinical and genetic evidence is not sufficient to establish whether loss-of-function variants in TRPM4 cause disease. This variant is present in population databases (no rsID available, gnomAD 0.003%). This variant has not been reported in the literature in individuals affected with TRPM4-related conditions. ClinVar contains an entry for this variant (Variation ID: 3604572). In summary, the available evidence is currently insufficient to determine the role of this variant in disease. Therefore, it has been classified as a Variant of Uncertain Significance.

Literature cited by the submitters: PubMed 16199547 (cited by Labcorp Genetics (formerly Invitae), Labcorp).